The following is an entry in ClinVar:

ClinVar aggregate classification (germline): Uncertain significance (1 of 4 stars; one submission).

gnomAD v4.1: 2 of 1,613,180 alleles (0.00012%); highest among the groups gnomAD compares: Non-Finnish European, 0.00017%; no homozygotes.

Submission:

Labcorp Genetics (formerly Invitae), Labcorp
Classification: Uncertain significance. Last evaluated: 2025-05-13. Review status: criteria provided, single submitter. Criteria: Invitae Variant Classification Sherloc (09022015). Collection method: clinical testing. Allele origin: germline.
Comment: This sequence change replaces glutamic acid, which is acidic and polar, with aspartic acid, which is acidic and polar, at codon 150 of the MS4A1 protein (p.Glu150Asp). This variant is not present in population databases (gnomAD no frequency). This variant has not been reported in the literature in individuals affected with MS4A1-related conditions. An algorithm developed to predict the effect of missense changes on protein structure and function outputs the following: PolyPhen-2: "Benign". The aspartic acid amino acid residue is found in multiple mammalian species, which suggests that this missense change does not adversely affect protein function. In summary, the available evidence is currently insufficient to determine the role of this variant in disease. Therefore, it has been classified as a Variant of Uncertain Significance.

NM_152866.3(MS4A1):c.450G>C (p.Glu150Asp)

Gene: MS4A1 (membrane spanning 4-domains A1; plus strand). Cytogenetic location: 11q12.2.
Variant type: single nucleotide variant.
Coding change: c.450G>C on transcript NM_152866.3 (MANE Select); coding-DNA position 450, G replaced by C.
Protein change: p.Glu150Asp; replaces glutamic acid 150 with aspartic acid.
Molecular consequence: missense variant.
Genome position (GRCh38, 1-based): chr11:60,466,034, G>C. VCF-style: chr11-60466034-G-C. GRCh37 (hg19) VCF-style: chr11-60233507-G-C.
Other names: c.450G>C, p.Glu150Asp (NM_021950.4, NM_152867.2); short protein forms E150D.
Identifiers: ClinVar variation 4771867 (VCV004771867.1).
Genomic context (GRCh38, chr11:60,466,034, plus strand): 5'-AATGATTCTTTCAATCATGGACATACTTAATATTAAAATTTCCCATTTTTTAAAAATGGA[G>C]AGTCTGAATTTTATTAGAGCTCACACACCATATATTAACATATACAACTGTGAACCAGCT-3'
Protein context (NP_690605.1, residues 140-160): NIKISHFLKM[Glu150Asp]SLNFIRAHTP